The following is an entry in ClinVar:

ClinVar aggregate classification (germline): Uncertain significance (1 of 4 stars; one submission).

Allele frequency attached by ClinVar (database versions not stated): gnomAD exomes 0.00001 and 0.00002; ExAC 0.00002.
gnomAD v4.1: 22 of 1,614,156 alleles (0.0014%); highest among the groups gnomAD compares: Admixed American, 0.0067%; no homozygotes.

Submission:

Labcorp Genetics (formerly Invitae), Labcorp
Classification: Uncertain significance. Last evaluated: 2021-07-22. Review status: criteria provided, single submitter. Criteria: Invitae Variant Classification Sherloc (09022015). Collection method: clinical testing. Allele origin: germline.
Comment: This sequence change replaces leucine with phenylalanine at codon 571 of the NLRP1 protein (p.Leu571Phe). The leucine residue is weakly conserved and there is a small physicochemical difference between leucine and phenylalanine. This variant is present in population databases (rs757886032, ExAC 0.009%). This variant has not been reported in the literature in individuals with NLRP1-related conditions. Algorithms developed to predict the effect of missense changes on protein structure and function output the following: SIFT: "Tolerated"; PolyPhen-2: "Benign"; Align-GVGD: "Class C0". The phenylalanine amino acid residue is found in multiple mammalian species, suggesting that this missense change does not adversely affect protein function. These predictions have not been confirmed by published functional studies and their clinical significance is uncertain. In summary, the available evidence is currently insufficient to determine the role of this variant in disease. Therefore, it has been classified as a Variant of Uncertain Significance.

NM_033004.4(NLRP1):c.1711C>T (p.Leu571Phe)

Gene: NLRP1 (NLR family pyrin domain containing 1; minus strand). Cytogenetic location: 17p13.2.
Variant type: single nucleotide variant.
Coding change: c.1711C>T on transcript NM_033004.4 (MANE Select); coding-DNA position 1711, C replaced by T.
Protein change: p.Leu571Phe; replaces leucine 571 with phenylalanine.
Molecular consequence: missense variant.
Genome position (GRCh38, 1-based): chr17:5,558,985, G>A on the plus strand (C>T on the coding strand, the complement: NLRP1 is on the minus strand). VCF-style: chr17-5558985-G-A. GRCh37 (hg19) VCF-style: chr17-5462305-G-A.
Other names: c.1711C>T, p.Leu571Phe (NM_001033053.3, NM_014922.5, NM_033006.4 and 1 more transcripts); short protein forms L571F.
Identifiers: ClinVar variation 1359630 (VCV001359630.8), dbSNP rs757886032, ClinGen allele CA8327336.